The following is an entry in ClinVar:

NM_006343.3(MERTK):c.329G>T (p.Gly110Val)

Gene: MERTK (MER proto-oncogene, tyrosine kinase; plus strand). Cytogenetic location: 2q13.
Variant type: single nucleotide variant.
Coding change: c.329G>T on transcript NM_006343.3 (MANE Select); coding-DNA position 329, G replaced by T.
Protein change: p.Gly110Val; replaces glycine 110 with valine.
Molecular consequence: missense variant.
Genome position (GRCh38, 1-based): chr2:111,929,387, G>T. VCF-style: chr2-111929387-G-T. GRCh37 (hg19) VCF-style: chr2-112686964-G-T.
Other names: short protein forms G110V.
Identifiers: ClinVar variation 1501468 (VCV001501468.6), dbSNP rs143388544, ClinGen allele CA53561230.

ClinVar aggregate classification (germline): Uncertain significance (1 of 4 stars; one submission).

Allele frequency attached by ClinVar (database versions not stated): gnomAD 0.00001; TOPMed 0.00003; ESP Exome Variant Server 0.00008.
gnomAD v4.1: 6 of 1,613,922 alleles (0.00037%); highest among the groups gnomAD compares: South Asian, 0.0033%; no homozygotes.

Submission:

Labcorp Genetics (formerly Invitae), Labcorp
Classification: Uncertain significance. Last evaluated: 2024-10-22. Review status: criteria provided, single submitter. Criteria: Invitae Variant Classification Sherloc (09022015). Collection method: clinical testing. Allele origin: germline.
Comment: This sequence change replaces glycine, which is neutral and non-polar, with valine, which is neutral and non-polar, at codon 110 of the MERTK protein (p.Gly110Val). This variant is not present in population databases (gnomAD no frequency). This variant has not been reported in the literature in individuals affected with MERTK-related conditions. ClinVar contains an entry for this variant (Variation ID: 1501468). Invitae Evidence Modeling of protein sequence and biophysical properties (such as structural, functional, and spatial information, amino acid conservation, physicochemical variation, residue mobility, and thermodynamic stability) has been performed for this missense variant. However, the output from this modeling did not meet the statistical confidence thresholds required to predict the impact of this variant on MERTK protein function. In summary, the available evidence is currently insufficient to determine the role of this variant in disease. Therefore, it has been classified as a Variant of Uncertain Significance.